The following is an entry in ClinVar:

ClinVar aggregate classification (germline): Uncertain significance (1 of 4 stars; one submission).

Allele frequency attached by ClinVar (database versions not stated): gnomAD exomes below 0.00001.
gnomAD v4.1: 2 of 1,269,728 alleles (0.00016%); no homozygotes.

Submission:

Labcorp Genetics (formerly Invitae), Labcorp
Classification: Uncertain significance. Last evaluated: 2023-12-23. Review status: criteria provided, single submitter. Criteria: Invitae Variant Classification Sherloc (09022015). Collection method: clinical testing. Allele origin: germline.
Comment: This sequence change replaces serine, which is neutral and polar, with phenylalanine, which is neutral and non-polar, at codon 118 of the KMT2B protein (p.Ser118Phe). This variant is not present in population databases (gnomAD no frequency). This variant has not been reported in the literature in individuals affected with KMT2B-related conditions. Advanced modeling of protein sequence and biophysical properties (such as structural, functional, and spatial information, amino acid conservation, physicochemical variation, residue mobility, and thermodynamic stability) performed at Invitae indicates that this missense variant is not expected to disrupt KMT2B protein function with a negative predictive value of 80%. In summary, the available evidence is currently insufficient to determine the role of this variant in disease. Therefore, it has been classified as a Variant of Uncertain Significance.

NM_014727.3(KMT2B):c.353C>T (p.Ser118Phe)

Gene: KMT2B (lysine methyltransferase 2B; plus strand). Cytogenetic location: 19q13.12.
Variant type: single nucleotide variant.
Coding change: c.353C>T on transcript NM_014727.3 (MANE Select); coding-DNA position 353, C replaced by T.
Protein change: p.Ser118Phe; replaces serine 118 with phenylalanine.
Molecular consequence: missense variant.
Genome position (GRCh38, 1-based): chr19:35,718,371, C>T. VCF-style: chr19-35718371-C-T. GRCh37 (hg19) VCF-style: chr19-36209273-C-T.
Other names: short protein forms S118F.
Identifiers: ClinVar variation 2787202 (VCV002787202.3), dbSNP rs1969040208, ClinGen allele CA405375776.
Genomic context (GRCh38, chr19:35,718,371, plus strand): 5'-GCCGGGGCTGGGGCCCGAGTCGAGGCTGCGTGCCGGAGGAGGAGAGCAGTGACGGGGAAT[C>T]CGACGAGGAGGTGAGGCGGTTGGAGGCGTCCCCGGCGCCGGGTGGGGCGGAGGCCGGGGC-3'
Protein context (NP_055542.1, residues 108-128): VPEEESSDGE[Ser118Phe]DEEEFQGFHS